The following is an entry in ClinVar:

ClinVar aggregate classification (germline): Uncertain significance (1 of 4 stars; one submission).

Allele frequency attached by ClinVar (database versions not stated): gnomAD 0.00001.
gnomAD v4.1: 9 of 1,611,092 alleles (0.00056%); highest among the groups gnomAD compares: Middle Eastern, 0.016%; no homozygotes.

Submission:

Labcorp Genetics (formerly Invitae), Labcorp
Classification: Uncertain significance. Last evaluated: 2024-04-05. Review status: criteria provided, single submitter. Criteria: Invitae Variant Classification Sherloc (09022015). Collection method: clinical testing. Allele origin: germline.
Comment: This sequence change replaces glycine, which is neutral and non-polar, with serine, which is neutral and polar, at codon 214 of the ROR2 protein (p.Gly214Ser). This variant is present in population databases (no rsID available, gnomAD 0.007%). This variant has not been reported in the literature in individuals affected with ROR2-related conditions. Advanced modeling of protein sequence and biophysical properties (such as structural, functional, and spatial information, amino acid conservation, physicochemical variation, residue mobility, and thermodynamic stability) performed at Invitae indicates that this missense variant is not expected to disrupt ROR2 protein function with a negative predictive value of 80%. In summary, the available evidence is currently insufficient to determine the role of this variant in disease. Therefore, it has been classified as a Variant of Uncertain Significance.

NM_004560.4(ROR2):c.640G>A (p.Gly214Ser)

Gene: ROR2 (receptor tyrosine kinase like orphan receptor 2; minus strand). Cytogenetic location: 9q22.31.
Variant type: single nucleotide variant.
Coding change: c.640G>A on transcript NM_004560.4 (MANE Select); coding-DNA position 640, G replaced by A.
Protein change: p.Gly214Ser; replaces glycine 214 with serine.
Molecular consequence: missense variant.
Genome position (GRCh38, 1-based): chr9:91,733,419, C>T on the plus strand (G>A on the coding strand, the complement: ROR2 is on the minus strand). VCF-style: chr9-91733419-C-T. GRCh37 (hg19) VCF-style: chr9-94495701-C-T.
Other names: c.640G>A, p.Gly214Ser (NM_001318204.2); short protein forms G214S.
Identifiers: ClinVar variation 2711164 (VCV002711164.3), dbSNP rs1336789467, ClinGen allele CA373801525.